The following is an entry in ClinVar:

ClinVar aggregate classification (germline): Uncertain significance (1 of 4 stars; one submission).

Submission:

GeneDx
Classification: Uncertain significance. Last evaluated: 2024-11-12. Review status: criteria provided, single submitter. Criteria: GeneDx Variant Classification Process June 2021. Collection method: clinical testing. Allele origin: germline. Affected: yes.
Comment: Not observed at significant frequency in large population cohorts (gnomAD); In silico analysis indicates that this missense variant does not alter protein structure/function; Has not been previously published as pathogenic or benign to our knowledge

NM_005157.6(ABL1):c.2254T>C (p.Phe752Leu)

Gene: ABL1 (ABL proto-oncogene 1, non-receptor tyrosine kinase; plus strand). Cytogenetic location: 9q34.12.
Variant type: single nucleotide variant.
Coding change: c.2254T>C on transcript NM_005157.6 (MANE Select); coding-DNA position 2254, T replaced by C.
Protein change: p.Phe752Leu; replaces phenylalanine 752 with leucine.
Molecular consequence: missense variant.
Genome position (GRCh38, 1-based): chr9:130,884,544, T>C. VCF-style: chr9-130884544-T-C. GRCh37 (hg19) VCF-style: chr9-133759931-T-C.
Other names: c.2311T>C, p.Phe771Leu (NM_007313.3); short protein forms F752L, F771L.
Identifiers: ClinVar variation 3899179 (VCV003899179.1).